The following is an entry in ClinVar:

ClinVar aggregate classification (germline): Benign/Likely benign. Review status: criteria provided, multiple submitters, no conflicts (2 of 4 stars). 6 submissions from 6 submitters: Benign (2); Likely benign (1). 3 of the submissions do not count toward it. Last evaluated 2026-01-22.

Conditions:
COL6A3-related disorder. Also called: COL6A3-related condition; COL6A3-related disorders.
Collagen 6-related myopathy. Identifiers: MedGen CN117976, MONDO:0100225.
Bethlem myopathy 1A. Also called: MYOPATHY, BENIGN CONGENITAL, WITH CONTRACTURES; Bethlem myopathy 1; Bethlem Muscular Dystrophy. Identifiers: Orphanet 610, MedGen CN029274, MONDO:0024530, OMIM 158810.

Allele frequency attached by ClinVar (database versions not stated): gnomAD exomes 0.00028 and 0.00048; gnomAD 0.00034 and 0.00049; TOPMed 0.00037; 1000 Genomes Project 30x 0.00141; 1000 Genomes Project 0.00160; ESP Exome Variant Server 0.00015; ExAC 0.00050.
gnomAD v4.1: 480 of 1,613,846 alleles (0.03%); highest among the groups gnomAD compares: East Asian, 0.85%; 4 homozygotes.

Submissions (6):

Labcorp Genetics (formerly Invitae), Labcorp
Classification: Likely benign for Bethlem myopathy 1A. Last evaluated: 2026-01-22. Review status: criteria provided, single submitter. Criteria: Invitae Variant Classification Sherloc (09022015). Collection method: clinical testing. Allele origin: germline.

Illumina Laboratory Services, Illumina
Classification: Benign for Collagen VI-related myopathy. Last evaluated: 2018-01-12. Review status: criteria provided, single submitter. Criteria: ICSL Variant Classification Criteria 13 December 2019. Collection method: clinical testing. Allele origin: germline.
Comment: This variant was observed in the ICSL laboratory as part of a predisposition screen in an ostensibly healthy population. It had not been previously curated by ICSL or reported in the Human Gene Mutation Database (HGMD: prior to June 1st, 2018), and was therefore a candidate for classification through an automated scoring system. Utilizing variant allele frequency, disease prevalence and penetrance estimates, and inheritance mode, an automated score was calculated to assess if this variant is too frequent to cause the disease. Based on the score and internal cut-off values, a variant classified as benign is not then subjected to further curation. The score for this variant resulted in a classification of benign for this disease.

Eurofins Ntd Llc (ga)
Classification: Benign. Last evaluated: 2015-08-14. Review status: criteria provided, single submitter. Criteria: EGL Classification Definitions 2015. Collection method: clinical testing. Allele origin: germline. Observed: 2 variant alleles, 2 heterozygotes.

PreventionGenetics, part of Exact Sciences
Classification: Likely benign for COL6A3-related condition. Last evaluated: 2019-07-15. Review status: no assertion criteria provided. Collection method: clinical testing. Allele origin: germline. Not counted in ClinVar's aggregate classification.
Comment: This variant is classified as likely benign based on ACMG/AMP sequence variant interpretation guidelines (Richards et al. 2015 PMID: 25741868, with internal and published modifications).

Clinical Genetics DNA and cytogenetics Diagnostics Lab, Erasmus MC, Erasmus Medical Center
Classification: Uncertain significance. Review status: no assertion criteria provided. Collection method: clinical testing. Allele origin: germline. Affected: yes. Study: VKGL Data-share Consensus. Not counted in ClinVar's aggregate classification.

Laboratory of Diagnostic Genome Analysis, Leiden University Medical Center (LUMC)
Classification: Uncertain significance. Review status: no assertion criteria provided. Collection method: clinical testing. Allele origin: germline. Affected: yes. Study: VKGL Data-share Consensus. Not counted in ClinVar's aggregate classification.

Literature cited by the submitters: PubMed 17785673 (cited by Eurofins Ntd Llc (ga)).

NM_004369.4(COL6A3):c.3088G>A (p.Val1030Met)

Gene: COL6A3 (collagen type VI alpha 3 chain; minus strand). Cytogenetic location: 2q37.3.
Variant type: single nucleotide variant.
Coding change: c.3088G>A on transcript NM_004369.4 (MANE Select); coding-DNA position 3088, G replaced by A.
Protein change: p.Val1030Met; replaces valine 1030 with methionine.
Molecular consequence: missense variant.
Genome position (GRCh38, 1-based): chr2:237,375,003, C>T on the plus strand (G>A on the coding strand, the complement: COL6A3 is on the minus strand). VCF-style: chr2-237375003-C-T. GRCh37 (hg19) VCF-style: chr2-238283646-C-T.
Other names: c.1867G>A, p.Val623Met (NM_057164.5); c.2470G>A, p.Val824Met (NM_057165.5, NM_057167.4); c.1267G>A, p.Val423Met (NM_057166.5); short protein forms V623M, V423M, V824M.
Identifiers: ClinVar variation 94920 (VCV000094920.22), dbSNP rs116238578, ClinGen allele CA222594.
Genomic context (GRCh38, chr2:237,375,003, plus strand): 5'-ACTCTTTCAACAGAGGGAAGCCGCTCCTGACGCCCTCAGAGCCATCAAGCAGAAACACCA[C>T]GTCCTTTTCACCTGAAACTGGGAGGAGGACAGCCTGGTAACTCACACAGGACATCAGAGC-3'
Protein context (NP_004360.2, residues 1020-1040): APAPVSGEKD[Val1030Met]VFLLDGSEGV